The following is an entry in ClinVar:

NM_001042681.2(RERE):c.1486G>A (p.Glu496Lys)

Gene: RERE (arginine-glutamic acid dipeptide repeats; minus strand). Cytogenetic location: 1p36.23.
Variant type: single nucleotide variant.
Coding change: c.1486G>A on transcript NM_001042681.2 (MANE Select); coding-DNA position 1486, G replaced by A.
Protein change: p.Glu496Lys; replaces glutamic acid 496 with lysine.
Molecular consequence: missense variant. On other transcripts: 5 prime UTR variant (1).
Genome position (GRCh38, 1-based): chr1:8,364,800, C>T on the plus strand (G>A on the coding strand, the complement: RERE is on the minus strand). VCF-style: chr1-8364800-C-T. GRCh37 (hg19) VCF-style: chr1-8424860-C-T.
Other names: c.-177G>A (NM_001042682.2); c.1486G>A, p.Glu496Lys (NM_012102.4); short protein forms E496K.
Identifiers: ClinVar variation 933872 (VCV000933872.9), dbSNP rs1641733978, ClinGen allele CA338174675.
Genomic context (GRCh38, chr1:8,364,800, plus strand): 5'-ACTTACTGGTGGTGAAGCAGTGGCGGCAGGCGTACCCCTTCAGCTCCTGCTCACTGTCCT[C>T]ACTGTCGAAGTCATCTTCACTGGCTGAACTTAGGTCCACTGGGCGTGGCAGGCACATAGT-3'
Protein context (NP_001036146.1, residues 486-506): SSASEDDFDS[Glu496Lys]DSEQELKGYA

ClinVar aggregate classification (germline): Uncertain significance (1 of 4 stars; one submission).

Submission:

Labcorp Genetics (formerly Invitae), Labcorp
Classification: Uncertain significance. Last evaluated: 2022-07-25. Review status: criteria provided, single submitter. Criteria: Invitae Variant Classification Sherloc (09022015). Collection method: clinical testing. Allele origin: germline.
Comment: This variant is not present in population databases (gnomAD no frequency). This sequence change replaces glutamic acid, which is acidic and polar, with lysine, which is basic and polar, at codon 496 of the RERE protein (p.Glu496Lys). This variant has not been reported in the literature in individuals affected with RERE-related conditions. In summary, the available evidence is currently insufficient to determine the role of this variant in disease. Therefore, it has been classified as a Variant of Uncertain Significance. Algorithms developed to predict the effect of missense changes on protein structure and function are either unavailable or do not agree on the potential impact of this missense change (SIFT: "Tolerated"; PolyPhen-2: "Probably Damaging"; Align-GVGD: "Class C0"). ClinVar contains an entry for this variant (Variation ID: 933872).